The following continues an entry in ClinVar:

NM_000535.7(PMS2):c.2445+1G>T

Gene: PMS2. ClinVar aggregate classification (germline): Pathogenic/Likely pathogenic. Pathogenic (13); Likely pathogenic (4).

Submissions 9 to 22 of 22:

Women's Health and Genetics/Laboratory Corporation of America, LabCorp
Classification: Pathogenic for Hereditary nonpolyposis colon cancer. Last evaluated: 2023-08-04. Review status: criteria provided, single submitter. Criteria: LabCorp Variant Classification Summary - May 2015. Collection method: clinical testing. Allele origin: germline.
Comment: Variant summary: PMS2 c.2445+1G>T is located in a canonical splice-site and is predicted to affect mRNA splicing resulting in a significantly altered protein due to either exon skipping, shortening, or inclusion of intronic material. Several computational tools predict a significant impact on normal splicing: Four predict the variant abolishes the canonical 5' splicing donor site. At least one publication reports the variant to result in aberrant transcripts as assessed through minigene assays in HEK293 and HeLa cell lines and also, following analysis of patient RNA where retention of 85bp of flanking intronic sequence was observed (van der Klift_2015). The variant was absent in 194842 control chromosomes. c.2445+1G>T, has been reported in the literature in individuals affected with colorectal cancer (Niessen_2009, Vaughn_2010, ten Broeke_2015) or gynecological cancer (Delahunty_2022). The following publications have been ascertained in the context of this evaluation (PMID: 19132747, 26110232, 20205264, 25512458, 26247049, 35263119). Eight submitters have cited clinical-significance assessments for this variant to ClinVar after 2014; seven submitters classified the variant as pathogenic and one classified it as likely pathogenic. Based on the evidence outlined above, the variant was classified as pathogenic.

Baylor Genetics
Classification: Pathogenic for Lynch syndrome 4. Last evaluated: 2023-07-23. Review status: criteria provided, single submitter. Criteria: ACMG Guidelines, 2015. Collection method: clinical testing. Allele origin: unknown.

Blueprint Genetics
Classification: Pathogenic for PMS2-related disorders. Last evaluated: 2022-11-23. Review status: criteria provided, single submitter. Criteria: ACMG Guidelines, 2015. Collection method: clinical testing. Allele origin: germline. Affected: yes. Observed: 2 variant alleles.

MGZ Medical Genetics Center
Classification: Likely pathogenic for Lynch syndrome 4. Last evaluated: 2022-08-22. Review status: criteria provided, single submitter. Criteria: ACMG Guidelines, 2015. Collection method: clinical testing. Allele origin: germline. Affected: yes. Observed: 1 variant allele.
Comment: ACMG criteria applied: PVS1_STR, PS4_MOD, PS3_SUP, PM2_SUP

Fulgent Genetics
Classification: Pathogenic for Lynch syndrome 4; Mismatch repair cancer syndrome 4. Last evaluated: 2022-04-25. Review status: criteria provided, single submitter. Criteria: ACMG Guidelines, 2015. Collection method: clinical testing. Allele origin: unknown.

Quest Diagnostics Nichols Institute San Juan Capistrano
Classification: Pathogenic. Last evaluated: 2020-08-05. Review status: criteria provided, single submitter. Criteria: Quest Diagnostics criteria. Collection method: clinical testing. Allele origin: unknown.
Comment: The variant disrupts a canonical splice site, and is therefore predicted to result in the loss of a functional protein. Found in at least one patient with expected phenotype for this gene, and not found in general population data.

Laboratory for Molecular Medicine, Mass General Brigham Personalized Medicine
Classification: Likely pathogenic for Lynch syndrome. Last evaluated: 2019-10-14. Review status: criteria provided, single submitter. Criteria: ACMG Guidelines, 2015. Collection method: clinical testing. Allele origin: germline.
Comment: The c.2445+1G>T variant in PMS2 has been reported in at least 3 individuals suspected to have Lynch syndrome (Vaughn 2010, Niessen 2009, ten Broeke 2015). It was absent from large population studies and was classified as Pathogenic by several clinical labs (Variation ID 234604). This variant occurs within the canonical splice site (+/- 1,2) (within last intron) and is predicted to cause altered splicing leading to an abnormal or absent protein. Minigene assays and patient RNA studies demonstrate an impact on splicing (van der Klift 2015). In summary, although additional studies are required to fully establish its clinical significance, this variant meets criteria to be classified as likely pathogenic for autosomal dominant Lynch syndrome. ACMG/AMP Criteria applied: PM2, PS4_Supporting, PVS1_Strong, PS3_Moderate.

CeGaT Center for Human Genetics Tuebingen
Classification: Pathogenic. Last evaluated: 2019-05-01. Review status: criteria provided, single submitter. Criteria: CeGaT Center For Human Genetics Tuebingen Variant Classification Criteria Version 2. Collection method: clinical testing. Allele origin: germline. Affected: yes. Observed: 1 variant allele.

ARUP Laboratories, Molecular Genetics and Genomics, ARUP Laboratories
Classification: Pathogenic. Last evaluated: 2016-08-26. Review status: criteria provided, single submitter. Criteria: ARUP Molecular Germline Variant Investigation Process. Collection method: clinical testing. Allele origin: germline.

Diagnostics Centre, Carl Von Ossietzky University Oldenburg
Classification: Likely pathogenic for Familial cancer of breast. Last evaluated: 2025-07-07. Review status: no assertion criteria provided. Collection method: clinical testing. Allele origin: germline. Affected: yes. Observed: 1 variant allele. Not counted in ClinVar's aggregate classification.
Comment: The variant PMS2:c.2445+1G>T p.(?) is located in the canonical splice site after exon 14 of the PMS2 gene results from a guanine-to-thymine substitution at nucleotide position c.2445+1. The variant is suggested to alter the splice product. In silico tools predict a strong deleterious effect on the splicing (SpliceAI = 1). The altered splicing pattern causes a frameshift, resulting in the formation of a premature stop codon. However, the altered gene product is not suggested to be degraded by nonsense-mediated decay. Experimental studies have shown a deleterious functional effect of the variant (PMID: 26247049). Further variants (c.2445+1G>A, c.2445+1G>C) at the affected position have been classified as (Likely) pathogenic in ClinVar (VCV000237908.8). The variant has been described in multiple unrelated individuals affected by Lynch syndrome (PMID: 25512458, 26110232). The variant has been classified as (Likely) pathogenic in 16 entries in Clinvar (VCV000234604.81). The variant is classified as rare in the general population (MAF 1.2 * e-5 in gnomAD v4.1.0). In summary, the variant is classified as Likely pathogenic.

Department of Pathology and Laboratory Medicine, Sinai Health System
Classification: Pathogenic for Carcinoma of colon. Review status: no assertion criteria provided. Collection method: clinical testing. Allele origin: unknown. Affected: yes. Study: The Canadian Open Genetics Repository (COGR). Not counted in ClinVar's aggregate classification.
Comment: The PMS2 c.2445+1G>T variant was identified in 3 of 1152 proband chromosomes (frequency: 0.003) from individuals or families with Lynch syndrome or colorectal cancer (Niessen 2009, Suerink 2015, ten Broeke 2015). The variant was also identified in dbSNP (ID: rs876661113) as "With Likely pathogenic, Pathogenic allele" and ClinVar (classified as pathogenic by Invitae, ARUP, Ambry Genetics and GeneDx). The variant was not identified in the following control databases: the Exome Aggregation Consortium (August 8th 2016) or the Genome Aggregation Database (Feb 27, 2017). The c.2445+1G>T variant is predicted to cause abnormal splicing because the nucleotide substitution occurs in the invariant region of the splice consensus sequence. In addition, 4 of 4 in silico or computational prediction software programs (SpliceSiteFinder, MaxEntScan, NNSPLICE, GeneSplicer) predict a greater than 10% difference in splicing. Further, RNA-based mutation scanning found this variant produced two aberrant splice products in cultured lymphocyte RNA (van der Klift 2015). In summary, based on the above information, this variant meets our laboratoryâ€šÃ„Ã´s criteria to be classified as pathogenic.

Diagnostic Laboratory, Department of Genetics, University Medical Center Groningen
Classification: Pathogenic. Review status: no assertion criteria provided. Collection method: clinical testing. Allele origin: germline. Affected: yes. Study: VKGL Data-share Consensus. Not counted in ClinVar's aggregate classification.

Joint Genome Diagnostic Labs from Nijmegen and Maastricht, Radboudumc and MUMC+
Classification: Pathogenic. Review status: no assertion criteria provided. Collection method: clinical testing. Allele origin: germline. Affected: yes. Study: VKGL Data-share Consensus. Not counted in ClinVar's aggregate classification.

Mayo Clinic Laboratories, Mayo Clinic
Classification: Pathogenic. Review status: no assertion criteria provided. Collection method: clinical testing. Allele origin: unknown. Not counted in ClinVar's aggregate classification.

Literature cited by the submitters: PubMed 19132747 (cited by 5 submitters); PubMed 20205264 (cited by 5 submitters); PubMed 23012243 (cited by Labcorp Genetics (formerly Invitae), Labcorp and Ambry Genetics); PubMed 25512458 (cited by 5 submitters); PubMed 26110232 (cited by 4 submitters); PubMed 17576681 (cited by Labcorp Genetics (formerly Invitae), Labcorp); PubMed 9536098 (cited by Labcorp Genetics (formerly Invitae), Labcorp); PubMed 26247049 (cited by 7 submitters); PubMed 35263119 (cited by Color Diagnostics, LLC DBA Color Health and Women's Health and Genetics/Laboratory Corporation of America, LabCorp); PubMed 37534630 (cited by Color Diagnostics, LLC DBA Color Health); PubMed 25525159 (cited by Quest Diagnostics Nichols Institute San Juan Capistrano).